The following is an entry in ClinVar:

NM_002615.7(SERPINF1):c.1119C>G (p.Pro373=)

Gene: SERPINF1 (serpin family F member 1; plus strand). Cytogenetic location: 17p13.3.
Variant type: single nucleotide variant.
Coding change: c.1119C>G on transcript NM_002615.7 (MANE Select); coding-DNA position 1119, C replaced by G.
Protein change: p.Pro373=; no amino-acid change (proline 373 retained).
Molecular consequence: synonymous variant.
Genome position (GRCh38, 1-based): chr17:1,777,308, C>G. VCF-style: chr17-1777308-C-G. GRCh37 (hg19) VCF-style: chr17-1680602-C-G.
Other names: c.1119C>G, p.Pro373= (NM_001329903.2); c.558C>G, p.Pro186= (NM_001329904.2, NM_001329905.2); c.1119C>G (NM_002615.6).
Identifiers: ClinVar variation 322015 (VCV000322015.14), dbSNP rs148717983, ClinGen allele CA8274963.
Genomic context (GRCh38, chr17:1,777,308, plus strand): 5'-GACTCAGGTGGAACACCGGGCTGGCTTTGAGTGGAACGAGGATGGGGCGGGAACCACCCC[C>G]AGCCCAGGGCTGCAGCCTGCCCACCTCACCTTCCCGCTGGACTATCACCTTAACCAGCCT-3'
Protein context (NP_002606.3, residues 363-383): EWNEDGAGTT[Pro373=]SPGLQPAHLT

ClinVar aggregate classification (germline): Conflicting classifications of pathogenicity. Review status: criteria provided, conflicting classifications (1 of 4 stars). 4 submissions from 4 submitters: Uncertain significance (1); Benign (1); Likely benign (2). Last evaluated 2026-09-01.

Conditions:
Osteogenesis imperfecta type 6. Also called: Osteogenesis imperfecta, type VI. Identifiers: Orphanet 666, MedGen C3279564, MONDO:0013515, OMIM 613982.
SERPINF1-related disorder. Also called: SERPINF1-related condition.

Allele frequency attached by ClinVar (database versions not stated): gnomAD 0.00013; gnomAD exomes 0.00014 and 0.00016; TOPMed 0.00014; ExAC 0.00017; ESP Exome Variant Server 0.00023.
gnomAD v4.1: 238 of 1,614,164 alleles (0.015%); highest among the groups gnomAD compares: Middle Eastern, 0.099%; 1 homozygote.

Submissions (4):

CeGaT Center for Human Genetics Tuebingen
Classification: Likely benign. Last evaluated: 2026-09-01. Review status: criteria provided, single submitter. Criteria: CeGaT Center For Human Genetics Tuebingen Variant Classification Criteria Version 2. Collection method: clinical testing. Allele origin: germline. Affected: yes. Observed: 1 variant allele.
Comment: SERPINF1: BP4, BP7

PreventionGenetics, part of Exact Sciences
Classification: Likely benign for SERPINF1-related condition. Last evaluated: 2026-02-13. Review status: criteria provided, single submitter. Criteria: ACMG Guidelines, 2015. Collection method: clinical testing. Allele origin: germline.
Comment: This variant is classified as likely benign based on ACMG/AMP sequence variant interpretation guidelines (Richards et al. 2015 PMID: 25741868, with internal and published modifications).

Labcorp Genetics (formerly Invitae), Labcorp
Classification: Benign. Last evaluated: 2026-01-20. Review status: criteria provided, single submitter. Criteria: Invitae Variant Classification Sherloc (09022015). Collection method: clinical testing. Allele origin: germline.

Illumina Laboratory Services, Illumina
Classification: Uncertain significance for Osteogenesis imperfecta type 6. Last evaluated: 2018-01-13. Review status: criteria provided, single submitter. Criteria: ICSL Variant Classification Criteria 13 December 2019. Collection method: clinical testing. Allele origin: germline.